The following is an entry in ClinVar:

ClinVar aggregate classification (germline): Uncertain significance. Review status: criteria provided, multiple submitters, no conflicts (2 of 4 stars). 4 submissions from 4 submitters: Uncertain significance (4). Last evaluated 2026-02-11.

Conditions:
Hereditary cancer-predisposing syndrome. Also called: Tumor predisposition; Hereditary Cancer Syndrome; Neoplastic Syndromes, Hereditary; Hereditary neoplastic syndrome. Identifiers: Orphanet 140162, MedGen C0027672, MeSH D009386, MONDO:0015356.
Familial adenomatous polyposis 4 (FAP4). Also called: MSH3-related attenuated familial adenomatous polyposis. Identifiers: Orphanet 480536, MedGen C4310719, MONDO:0044300, OMIM 617100.

Allele frequency attached by ClinVar (database versions not stated): gnomAD exomes below 0.00001 and 0.00001; ExAC 0.00001; gnomAD 0.00001; TOPMed 0.00003.
gnomAD v4.1: 6 of 1,613,892 alleles (0.00037%); highest among the groups gnomAD compares: African/African-American, 0.0027%; no homozygotes.

Submissions (4):

St. Jude Molecular Pathology, St. Jude Children's Research Hospital
Classification: Uncertain significance for Familial adenomatous polyposis 4. Last evaluated: 2026-02-11. Review status: criteria provided, single submitter. Criteria: St. Jude Assertion Criteria 2020. Collection method: clinical testing. Allele origin: germline.
Comment: The MSH3 c.2965A>G p.(Ile989Val) missense change has a maximum subpopulation frequency of 0.0061% in gnomAD v2.1.1. The in silico tool REVEL predicts a deleterious effect on protein function, but to our knowledge this prediction has not been confirmed by functional studies. To our knowledge, this variant has not been reported in individuals with MSH3-associated polyposis syndrome. In summary, the evidence currently available is insufficient to determine the clinical significance of this variant. It has therefore been classified as of uncertain significance.

Labcorp Genetics (formerly Invitae), Labcorp
Classification: Uncertain significance. Last evaluated: 2026-01-08. Review status: criteria provided, single submitter. Criteria: Invitae Variant Classification Sherloc (09022015). Collection method: clinical testing. Allele origin: germline.
Comment: This sequence change replaces isoleucine, which is neutral and non-polar, with valine, which is neutral and non-polar, at codon 989 of the MSH3 protein (p.Ile989Val). This variant is present in population databases (rs751007341, gnomAD 0.007%). This variant has not been reported in the literature in individuals affected with MSH3-related conditions. ClinVar contains an entry for this variant (Variation ID: 822378). An algorithm developed to predict the effect of missense changes on protein structure and function (PolyPhen-2) suggests that this variant is likely to be disruptive. In summary, the available evidence is currently insufficient to determine the role of this variant in disease. Therefore, it has been classified as a Variant of Uncertain Significance.

Ambry Genetics
Classification: Uncertain significance for Hereditary cancer-predisposing syndrome. Last evaluated: 2024-08-27. Review status: criteria provided, single submitter. Criteria: Ambry Variant Classification Scheme 2023. Collection method: clinical testing. Allele origin: germline.

GeneDx
Classification: Uncertain significance. Last evaluated: 2023-11-07. Review status: criteria provided, single submitter. Criteria: GeneDx Variant Classification Process June 2021. Collection method: clinical testing. Allele origin: germline. Affected: yes.
Comment: Not observed at significant frequency in large population cohorts (gnomAD); In silico analysis supports that this missense variant does not alter protein structure/function; Has not been previously published as pathogenic or benign to our knowledge

NM_002439.5(MSH3):c.2965A>G (p.Ile989Val)

Gene: MSH3 (mutS homolog 3; plus strand). Cytogenetic location: 5q14.1.
Variant type: single nucleotide variant.
Coding change: c.2965A>G on transcript NM_002439.5 (MANE Select); coding-DNA position 2965, A replaced by G.
Protein change: p.Ile989Val; replaces isoleucine 989 with valine.
Molecular consequence: missense variant.
Genome position (GRCh38, 1-based): chr5:80,854,281, A>G. VCF-style: chr5-80854281-A-G. GRCh37 (hg19) VCF-style: chr5-80150100-A-G.
Other names: short protein forms I989V.
Identifiers: ClinVar variation 822378 (VCV000822378.15), dbSNP rs751007341, ClinGen allele CA3328402.